The following is an entry in ClinVar:

NM_000157.4(GBA1):c.1246G>C (p.Gly416Arg)

Genes: GBA1 (glucosylceramidase beta 1; minus strand), LOC106627981 (GBA recombination region; plus strand). Cytogenetic location: 1q22.
Variant type: single nucleotide variant.
Coding change: c.1246G>C on transcript NM_000157.4 (MANE Select); coding-DNA position 1246, G replaced by C.
Protein change: p.Gly416Arg; replaces glycine 416 with arginine.
Molecular consequence: missense variant.
Genome position (GRCh38, 1-based): chr1:155,235,823, C>G on the plus strand (G>C on the coding strand, the complement: GBA1 is on the minus strand). VCF-style: chr1-155235823-C-G. GRCh37 (hg19) VCF-style: chr1-155205614-C-G.
Other names: c.1246G>C, p.Gly416Arg (NM_001005741.3, NM_001005742.3); c.985G>C, p.Gly329Arg (NM_001171811.2); c.1099G>C, p.Gly367Arg (NM_001171812.2); c.1246G>C (NM_000157.3); short protein forms G329R, G367R, G416R.
Identifiers: ClinVar variation 3233806 (VCV003233806.4), dbSNP rs121908311, ClinGen allele CA342714017.

ClinVar aggregate classification (germline): Conflicting classifications of pathogenicity. Review status: criteria provided, conflicting classifications (1 of 4 stars). 2 submissions from 2 submitters: Likely pathogenic (1); Uncertain significance (1). Last evaluated 2025-01-28.

Conditions:
Gaucher disease. Also called: Acute cerebral Gaucher disease; Cerebroside lipidosis syndrome; Gaucher splenomegaly; Sphingolipidosis 1; Glucocerebrosidosis; Glucosylceramidase deficiency. Identifiers: Orphanet 355, MedGen C0017205, MONDO:0018150.

gnomAD v4.1: 4 of 1,614,194 alleles (0.00025%); highest among the groups gnomAD compares: Non-Finnish European, 0.00034%; no homozygotes.

Submissions (2):

Natera, Inc.
Classification: Likely pathogenic for Gaucher disease. Last evaluated: 2025-01-28. Review status: criteria provided, single submitter. Criteria: Natera Variant Classification Schema (03/2026). Collection method: clinical testing. Allele origin: germline.
Comment: The c.1246G>C variant in GBA1 is a missense variant predicted to cause substitution of glycine to arginine at amino acid 416. This variant is rare in the general population with a frequency below the threshold expected for the associated phenotype(s). This variant has been observed in one or more individuals affected with the associated recessive disease, as either homozygous or compound heterozygous with a second variant (PMID: 33334373, 34649574). A different variant at the same position has been determined to be Pathogenic or Likely Pathogenic. Computational prediction algorithms indicate this variant is likely to affect gene or protein function. Given the available evidence, this variant is classified as Likely Pathogenic.

Women's Health and Genetics/Laboratory Corporation of America, LabCorp
Classification: Uncertain significance. Last evaluated: 2024-03-22. Review status: criteria provided, single submitter. Criteria: LabCorp Variant Classification Summary - May 2015. Collection method: clinical testing. Allele origin: germline.
Comment: Variant summary: GBA1 c.1246G>C (p.Gly416Arg) results in a non-conservative amino acid change located in the glycosyl hydrolase family 30, TIM-barrel domain (IPR033453) of the encoded protein sequence. Five of five in-silico tools predict a damaging effect of the variant on protein function. The variant was absent in 282874 control chromosomes (gnomAD). c.1246G>C has been reported in the literature in the compound heterozygous state in at least one individual affected with Gaucher Disease (Donald_2020, D'Amore_2021). These data do not allow any strong conclusion about variant significance. To our knowledge, no experimental evidence demonstrating an impact on protein function has been reported. However, a variant resulting in a different amino acid change but affecting the same codon (p.Gly416Ser) has been classified as pathogenic, suggesting this residue is likely important for protein function. The following publications have been ascertained in the context of this evaluation (PMID: 34649574, 33334373). No submitters have cited clinical-significance assessments for this variant to ClinVar. Based on the evidence outlined above, the variant was classified as VUS-possibly pathogenic.

Literature cited by the submitters: PubMed 33334373 (cited by Natera, Inc. and Women's Health and Genetics/Laboratory Corporation of America, LabCorp); PubMed 34649574 (cited by Natera, Inc. and Women's Health and Genetics/Laboratory Corporation of America, LabCorp).